The following is an entry in ClinVar:

NM_005121.3(MED13):c.3687C>T (p.Cys1229=)

Gene: MED13 (mediator complex subunit 13; minus strand). Cytogenetic location: 17q23.2.
Variant type: single nucleotide variant.
Coding change: c.3687C>T on transcript NM_005121.3 (MANE Select); coding-DNA position 3687, C replaced by T.
Protein change: p.Cys1229=; no amino-acid change (cysteine 1229 retained).
Molecular consequence: synonymous variant.
Genome position (GRCh38, 1-based): chr17:61,982,316, G>A on the plus strand (C>T on the coding strand, the complement: MED13 is on the minus strand). VCF-style: chr17-61982316-G-A. GRCh37 (hg19) VCF-style: chr17-60059677-G-A.
Identifiers: ClinVar variation 3257689 (VCV003257689.17).

ClinVar aggregate classification (germline): Likely benign (1 of 4 stars; one submission).

gnomAD v4.1: 5 of 1,614,080 alleles (0.00031%); highest among the groups gnomAD compares: Non-Finnish European, 0.00025%; no homozygotes.

Submission:

CeGaT Center for Human Genetics Tuebingen
Classification: Likely benign. Last evaluated: 2024-09-01. Review status: criteria provided, single submitter. Criteria: CeGaT Center For Human Genetics Tuebingen Variant Classification Criteria Version 2. Collection method: clinical testing. Allele origin: germline. Affected: yes. Observed: 2 variant alleles.
Comment: MED13: BP4, BP7